The following is an entry in ClinVar:

ClinVar aggregate classification (germline): Uncertain significance (1 of 4 stars; one submission).

Conditions:
Alpha thalassemia-X-linked intellectual disability syndrome (ATRX). Also called: ALPHA-THALASSEMIA/MENTAL RETARDATION SYNDROME, X-LINKED; ATR, NONDELETION TYPE; ATR-X syndrome; Alpha thalassemia mental retardation syndrome, nondeletion type, X-linked; XLMR hypotonic face syndrome; X-linked alpha-thalassemia-mental retardation syndrome. Identifiers: Orphanet 847, MedGen C1845055, MONDO:0010519, OMIM 301040.

Submission:

Labcorp Genetics (formerly Invitae), Labcorp
Classification: Uncertain significance for Alpha thalassemia-X-linked intellectual disability syndrome. Last evaluated: 2022-03-02. Review status: criteria provided, single submitter. Criteria: Invitae Variant Classification Sherloc (09022015). Collection method: clinical testing. Allele origin: germline.
Comment: In summary, the available evidence is currently insufficient to determine the role of this variant in disease. Therefore, it has been classified as a Variant of Uncertain Significance. This variant has not been reported in the literature in individuals affected with ATRX-related conditions. This variant is not present in population databases (gnomAD no frequency). This variant, c.4359_4361dup, results in the insertion of 1 amino acid(s) of the ATRX protein (p.Glu1464dup), but otherwise preserves the integrity of the reading frame.

NM_000489.6(ATRX):c.4353GGA[4] (p.Glu1464_Asp1465insGlu)

Gene: ATRX (ATRX chromatin remodeler; minus strand). Cytogenetic location: Xq21.1.
Variant type: Microsatellite.
Coding change: c.4353GGA[4] on transcript NM_000489.6 (MANE Select); four copies in a row of the 3-base unit GGA starting at c.4353; the reference has three copies in a row; one copy, 3 bases duplicated.
Protein change: p.Glu1464_Asp1465insGlu.
Molecular consequence: inframe insertion.
Genome position (GRCh38, 1-based): chrX:77,652,310-77,652,312, TCC duplicated on the plus strand (GGA on the coding strand, the reverse complement: ATRX is on the minus strand); duplicating any 3 consecutive bases within chrX:77,652,310-77,652,320 gives the same sequence; the position shown is the placement nearest the transcript's 3' end. VCF-style (leftmost placement, unchanged base first): chrX-77652309-T-TTCC. GRCh37 (hg19) VCF-style: chrX-76907799-T-TTCC.
Other names: c.4239GGA[4], p.Glu1426_Asp1427insGlu (NM_138270.5).
Identifiers: ClinVar variation 2105654 (VCV002105654.4), dbSNP rs782630348, ClinGen allele CA2580612374.
Genomic context (GRCh38, chrX:77,652,309, plus strand): 5'-TCCAGGAGACTTGGAATCATCATTTTCATCTTCCTCCTCCTCTTCCTCCTCCTCCTCCTC[T>TTCC]TCCTCCTCCTCTTCTTTTTCCTCCTCTTCTTCCTCAGAATTACTCTACAGAATTTAAACA-3'